The following is an entry in ClinVar:

NM_006939.4(SOS2):c.2290A>C (p.Ser764Arg)

Gene: SOS2 (SOS Ras/Rho guanine nucleotide exchange factor 2; minus strand). Cytogenetic location: 14q21.3.
Variant type: single nucleotide variant.
Coding change: c.2290A>C on transcript NM_006939.4 (MANE Select); coding-DNA position 2290, A replaced by C.
Protein change: p.Ser764Arg; replaces serine 764 with arginine.
Molecular consequence: missense variant.
Genome position (GRCh38, 1-based): chr14:50,150,102, T>G on the plus strand (A>C on the coding strand, the complement: SOS2 is on the minus strand). VCF-style: chr14-50150102-T-G. GRCh37 (hg19) VCF-style: chr14-50616820-T-G.
Other names: c.2191A>C, p.Ser731Arg (NM_001411020.1); short protein forms S731R, S764R.
Identifiers: ClinVar variation 1900264 (VCV001900264.5), dbSNP rs779464455, ClinGen allele CA389643784.

ClinVar aggregate classification (germline): Uncertain significance (1 of 4 stars; one submission).

Conditions:
Noonan syndrome 9 (NS9). Identifiers: Orphanet 648, MedGen C4225282, MONDO:0014691, OMIM 616559.

Submission:

Labcorp Genetics (formerly Invitae), Labcorp
Classification: Uncertain significance for Noonan syndrome 9. Last evaluated: 2022-07-11. Review status: criteria provided, single submitter. Criteria: Invitae Variant Classification Sherloc (09022015). Collection method: clinical testing. Allele origin: germline.
Comment: In summary, the available evidence is currently insufficient to determine the role of this variant in disease. Therefore, it has been classified as a Variant of Uncertain Significance. Advanced modeling of protein sequence and biophysical properties (such as structural, functional, and spatial information, amino acid conservation, physicochemical variation, residue mobility, and thermodynamic stability) performed at Invitae indicates that this missense variant is not expected to disrupt SOS2 protein function. This variant has not been reported in the literature in individuals affected with SOS2-related conditions. This variant is not present in population databases (gnomAD no frequency). This sequence change replaces serine, which is neutral and polar, with arginine, which is basic and polar, at codon 764 of the SOS2 protein (p.Ser764Arg).